The following is an entry in ClinVar:

ClinVar aggregate classification (germline): Uncertain significance. Review status: criteria provided, multiple submitters, no conflicts (2 of 4 stars). 3 submissions from 3 submitters: Uncertain significance (3). Last evaluated 2023-09-26.

Conditions:
Hereditary breast ovarian cancer syndrome. Also called: Breast and ovarian cancer; Hereditary breast and/or ovarian cancer syndrome; BRCA1- and BRCA2-Associated Hereditary Breast and Ovarian Cancer; Hereditary breast and ovarian cancer syndrome; Hereditary breast and ovarian cancer syndrome (HBOC); Hereditary breast and ovarian cancer. Identifiers: Orphanet 145, MedGen C0677776, MeSH D061325, MONDO:0003582. Disease mechanism: loss of function.
Hereditary cancer-predisposing syndrome. Also called: Tumor predisposition; Hereditary Cancer Syndrome; Hereditary neoplastic syndrome; Neoplastic Syndromes, Hereditary. Identifiers: Orphanet 140162, MedGen C0027672, MeSH D009386, MONDO:0015356.

Allele frequency attached by ClinVar (database versions not stated): gnomAD exomes 0.00001.

Submissions (4):

Color Diagnostics, LLC DBA Color Health
Classification: Uncertain significance for Hereditary cancer-predisposing syndrome. Last evaluated: 2023-09-26. Review status: criteria provided, single submitter. Criteria: ACMG Guidelines, 2015. Collection method: clinical testing. Allele origin: germline.
Comment: This missense variant substitutes alanine with glycine at codon 1752 in the BRCA1 protein. Computational prediction is inconclusive regarding the impact of this variant on protein structure and function (internally defined REVEL score threshold 0.5 < inconclusive < 0.7, PMID: 27666373). A functional study has reported that this variant does not impact BRCA1 function in a haploid cell proliferation assay (PMID: 30209399). This variant has been detected in one individual affected with breast cancer and confirmed to be absent in a breast cancer affected sister (PMID: 23842040). This variant has been reported in a breast cancer case-control study in 1/7051 female breast cancer cases and 4/11241 unaffected female controls (PMID: 30287823), and in a pancreatic cancer case-control study in 0/1005 cases and 8/23705 unaffected individuals (PMID: 32980694). This variant also has been reported in a prostate cancer case-control study in 3/7636 cases and 4/12366 unaffected individuals (PMID: 31214711). This variant has not been identified in the general population by the Genome Aggregation Database (gnomAD). The available evidence is insufficient to determine the role of this variant in disease conclusively. Therefore, this variant is classified as a Variant of Uncertain Significance.

Labcorp Genetics (formerly Invitae), Labcorp
Classification: Uncertain significance for Hereditary breast ovarian cancer syndrome. Last evaluated: 2023-01-09. Review status: criteria provided, single submitter. Criteria: Invitae Variant Classification Sherloc (09022015). Collection method: clinical testing. Allele origin: germline.
Comment: This sequence change replaces alanine, which is neutral and non-polar, with glycine, which is neutral and non-polar, at codon 1752 of the BRCA1 protein (p.Ala1752Gly). This variant is not present in population databases (gnomAD no frequency). This missense change has been observed in individual(s) with breast cancer (PMID: 23842040, 30287823). ClinVar contains an entry for this variant (Variation ID: 482908). Advanced modeling performed at Invitae incorporating data from internal and/or published experimental studies (PMID: 30209399) indicates that this missense variant is not expected to disrupt BRCA1 function. Experimental studies have shown that this missense change does not substantially affect BRCA1 function (PMID: 23842040, 30209399). This variant disrupts the p.Ala1752 amino acid residue in BRCA1. Other variant(s) that disrupt this residue have been determined to be pathogenic (Invitae). This suggests that this residue is clinically significant, and that variants that disrupt this residue are likely to be disease-causing. In summary, the available evidence is currently insufficient to determine the role of this variant in disease. Therefore, it has been classified as a Variant of Uncertain Significance.

Ambry Genetics
Classification: Uncertain significance for Hereditary cancer-predisposing syndrome. Last evaluated: 2019-04-17. Review status: criteria provided, single submitter. Criteria: Ambry Variant Classification Scheme 2023. Collection method: clinical testing. Allele origin: germline.
Comment: The p.A1752G variant (also known as c.5255C>G), located in coding exon 18 of the BRCA1 gene, results from a C to G substitution at nucleotide position 5255. The alanine at codon 1752 is replaced by glycine, an amino acid with similar properties. However, her affected sister was not found to have this variant, and her father was not available for testing (Kawaku S et al. J. Hum. Genet. 2013 Sep; 58(9):618-21.) This alteration has also been reported with a carrier frequency of 1 in 7051 unselected breast cancer patients and 4 in 11241 female controls of Japanese ancestry (Momozawa Y et al. Nat Commun, 2018 10;9:4083). One functional study found that this nucleotide substitution is tolerated in a high throughput genome editing haploid cell survival assay (Findlay GM et al. Nature, 2018 10;562:217-222). This amino acid position is well conserved in available vertebrate species. In addition, the in silico prediction for this alteration is inconclusive. Since supporting evidence is limited at this time, the clinical significance of this alteration remains unclear.

Brotman Baty Institute, University of Washington
No classification provided (evidence only). Condition: Breast-ovarian cancer, familial 1. Review status: no classification provided. Collection method: in vitro. Allele origin: not applicable. Functional consequence: functionally_normal. Not counted in ClinVar's aggregate classification.
ClinVar note: "not provided" was previously submitted as the classification for the variant. However, the classification appeared to be based only on an observation of functional data so it was converted to no classification on 2025-07-30.

Literature cited by the submitters: PubMed 23842040 (cited by 3 submitters); PubMed 30209399 (cited by 3 submitters); PubMed 30287823 (cited by 3 submitters); PubMed 31214711 (cited by Color Diagnostics, LLC DBA Color Health); PubMed 32980694 (cited by Color Diagnostics, LLC DBA Color Health); PubMed 17305420 (cited by Ambry Genetics).

NM_007294.4(BRCA1):c.5255C>G (p.Ala1752Gly)

Gene: BRCA1 (BRCA1 DNA repair associated; minus strand). Cytogenetic location: 17q21.31.
Variant type: single nucleotide variant.
Coding change: c.5255C>G on transcript NM_007294.4 (MANE Select); coding-DNA position 5255, C replaced by G.
Protein change: p.Ala1752Gly; replaces alanine 1752 with glycine.
Molecular consequence: missense variant. On other transcripts: non-coding transcript variant (1).
Genome position (GRCh38, 1-based): chr17:43,057,074, G>C on the plus strand (C>G on the coding strand, the complement: BRCA1 is on the minus strand). VCF-style: chr17-43057074-G-C. GRCh37 (hg19) VCF-style: chr17-41209091-G-C.
Other names: c.1799C>G, p.Ala600Gly (NM_001408469.1, NM_001408468.1, NM_001408470.1); c.1733C>G, p.Ala578Gly (NM_001408482.1, NM_001408483.1, NM_001408484.1 and 5 more transcripts); c.1730C>G, p.Ala577Gly (NM_001408492.1, NM_001408493.1); c.1679C>G, p.Ala560Gly (NM_001408504.1, NM_001408502.1, NM_001408503.1); c.1676C>G, p.Ala559Gly (NM_001408505.1); c.1619C>G, p.Ala540Gly (NM_001408506.1); c.1616C>G, p.Ala539Gly (NM_001408507.1); c.1607C>G, p.Ala536Gly (NM_001408508.1); and 72 more; short protein forms A1752G, A1705G, A1773G, A648G, A1624G, A1639G, A1641G, A1663G.
Identifiers: ClinVar variation 482908 (VCV000482908.23), dbSNP rs80357028, ClinGen allele CA10591041.